The following is an entry in ClinVar:

ClinVar aggregate classification (germline): Uncertain significance (1 of 4 stars; one submission).

Submission:

GeneDx
Classification: Uncertain significance. Last evaluated: 2024-05-09. Review status: criteria provided, single submitter. Criteria: GeneDx Variant Classification Process June 2021. Collection method: clinical testing. Allele origin: germline. Affected: yes.
Comment: Not observed at significant frequency in large population cohorts (gnomAD); In silico analysis supports that this missense variant has a deleterious effect on protein structure/function; Has not been previously published as pathogenic or benign to our knowledge

NM_020374.4(FERRY3):c.1412C>G (p.Pro471Arg)

Gene: FERRY3 (FERRY endosomal RAB5 effector complex subunit 3; minus strand). Cytogenetic location: 12p13.32.
Variant type: single nucleotide variant.
Coding change: c.1412C>G on transcript NM_020374.4 (MANE Select); coding-DNA position 1412, C replaced by G.
Protein change: p.Pro471Arg; replaces proline 471 with arginine.
Molecular consequence: missense variant. On other transcripts: non-coding transcript variant (3).
Genome position (GRCh38, 1-based): chr12:4,500,166, G>C on the plus strand (C>G on the coding strand, the complement: FERRY3 is on the minus strand). VCF-style: chr12-4500166-G-C. GRCh37 (hg19) VCF-style: chr12-4609332-G-C.
Other names: c.1412C>G, p.Pro471Arg (NM_001304811.2); c.1283C>G, p.Pro428Arg (NM_001346153.2, NM_001346155.2); c.893C>G, p.Pro298Arg (NM_001346156.2); c.764C>G, p.Pro255Arg (NM_001346157.2); c.560C>G, p.Pro187Arg (NM_001352962.2); short protein forms P187R, P255R, P298R, P428R, P471R.
Identifiers: ClinVar variation 3375590 (VCV003375590.1).